The following is an entry in ClinVar:

ClinVar aggregate classification (germline): Benign. Review status: criteria provided, multiple submitters, no conflicts (2 of 4 stars). 9 submissions from 9 submitters: Benign (5). 4 of the submissions do not count toward it. Last evaluated 2026-02-01.

Conditions:
MYH6-related disorder. Also called: MYH6-related condition; MYH6-Related Disorders.
Cardiomyopathy (CMYO). Also called: Cardiomyopathies. Identifiers: Orphanet 167848, MedGen C0878544, MONDO:0004994, HP:0001638. Inheritance: Various modes of inheritance.
Hypertrophic cardiomyopathy 14. Identifiers: MedGen C2750467, MONDO:0013197, OMIM 613251.

Allele frequency attached by ClinVar (database versions not stated): 1000 Genomes Project 0.02935.

Submissions (9):

Labcorp Genetics (formerly Invitae), Labcorp
Classification: Benign for Hypertrophic cardiomyopathy 14. Last evaluated: 2026-02-01. Review status: criteria provided, single submitter. Criteria: Invitae Variant Classification Sherloc (09022015). Collection method: clinical testing. Allele origin: germline.

ARUP Laboratories, Molecular Genetics and Genomics, ARUP Laboratories
Classification: Benign. Last evaluated: 2025-05-14. Review status: criteria provided, single submitter. Criteria: ARUP Molecular Germline Variant Investigation Process 2024. Collection method: clinical testing. Allele origin: germline.

Women's Health and Genetics/Laboratory Corporation of America, LabCorp
Classification: Benign. Last evaluated: 2020-06-15. Review status: criteria provided, single submitter. Criteria: LabCorp Variant Classification Summary - May 2015. Collection method: clinical testing. Allele origin: germline.
Comment: Variant summary: MYH6 c.3979-9C>G alters a non-conserved nucleotide located close to a canonical splice site and therefore could affect mRNA splicing, leading to a significantly altered protein sequence. 4/4 computational tools predict no significant impact on normal splicing. However, these predictions have yet to be confirmed by functional studies. The variant allele was found at a frequency of 0.0066 in 96074 control chromosomes in the gnomAD database, including 7 homozygotes. The observed variant frequency is approximately 263 fold of the estimated maximal expected allele frequency for a pathogenic variant in MYH6 causing Cardiomyopathy phenotype (2.5e-05), strongly suggesting that the variant is benign. To our knowledge, no occurrence of c.3979-9C>G in individuals affected with Cardiomyopathy and no experimental evidence demonstrating its impact on protein function have been reported. Four clinical diagnostic laboratories have submitted clinical-significance assessments for this variant to ClinVar after 2014 without evidence for independent evaluation. All laboratories classified the variant as benign. Based on the evidence outlined above, the variant was classified as benign.

GeneDx
Classification: Benign. Last evaluated: 2016-10-06. Review status: criteria provided, single submitter. Criteria: GeneDx Variant Classification (06012015). Collection method: clinical testing. Allele origin: germline. Affected: yes.
Comment: This variant is considered likely benign or benign based on one or more of the following criteria: it is a conservative change, it occurs at a poorly conserved position in the protein, it is predicted to be benign by multiple in silico algorithms, and/or has population frequency not consistent with disease.

CHEO Genetics Diagnostic Laboratory, Children's Hospital of Eastern Ontario
Classification: Benign for Cardiomyopathy. Last evaluated: 2016-09-23. Review status: criteria provided, single submitter. Criteria: ACMG Guidelines, 2015. Collection method: clinical testing. Allele origin: germline. Study: Canadian Open Genetics Repository.

PreventionGenetics, part of Exact Sciences
Classification: Benign for MYH6-related condition. Last evaluated: 2019-05-02. Review status: no assertion criteria provided. Collection method: clinical testing. Allele origin: germline. Not counted in ClinVar's aggregate classification.
Comment: This variant is classified as benign based on ACMG/AMP sequence variant interpretation guidelines (Richards et al. 2015 PMID: 25741868, with internal and published modifications).

Clinical Genetics, Academic Medical Center
Classification: Benign. Review status: no assertion criteria provided. Collection method: clinical testing. Allele origin: germline. Affected: yes. Study: VKGL Data-share Consensus. Not counted in ClinVar's aggregate classification.

Diagnostic Laboratory, Department of Genetics, University Medical Center Groningen
Classification: Likely benign. Review status: no assertion criteria provided. Collection method: clinical testing. Allele origin: germline. Affected: yes. Study: VKGL Data-share Consensus. Not counted in ClinVar's aggregate classification.

Genome Diagnostics Laboratory, University Medical Center Utrecht
Classification: Benign. Review status: no assertion criteria provided. Collection method: clinical testing. Allele origin: germline. Affected: yes. Study: VKGL Data-share Consensus. Not counted in ClinVar's aggregate classification.

NM_002471.4(MYH6):c.3979-9C>G

Gene: MYH6 (myosin heavy chain 6; minus strand). Cytogenetic location: 14q11.2.
Variant type: single nucleotide variant.
Coding change: c.3979-9C>G on transcript NM_002471.4 (MANE Select); 9 bases into the intron before coding-DNA position 3979, C replaced by G.
Molecular consequence: intron variant.
Genome position (GRCh38, 1-based): chr14:23,389,064, G>C on the plus strand (C>G on the coding strand, the complement: MYH6 is on the minus strand). VCF-style: chr14-23389064-G-C. GRCh37 (hg19) VCF-style: chr14-23858273-G-C.
Identifiers: ClinVar variation 239171 (VCV000239171.29), dbSNP rs57660219, ClinGen allele CA7114974.